The following is an entry in ClinVar:

ClinVar aggregate classification (germline): Uncertain significance (1 of 4 stars; one submission).

gnomAD v4.1: 11 of 1,613,630 alleles (0.00068%); highest among the groups gnomAD compares: Non-Finnish European, 0.00093%; no homozygotes.

Submission:

Labcorp Genetics (formerly Invitae), Labcorp
Classification: Uncertain significance. Last evaluated: 2025-04-21. Review status: criteria provided, single submitter. Criteria: Invitae Variant Classification Sherloc (09022015). Collection method: clinical testing. Allele origin: germline.
Comment: This sequence change replaces threonine, which is neutral and polar, with isoleucine, which is neutral and non-polar, at codon 519 of the KIF22 protein (p.Thr519Ile). This variant is present in population databases (rs764488170, gnomAD 0.003%). This variant has not been reported in the literature in individuals affected with KIF22-related conditions. Invitae Evidence Modeling of protein sequence and biophysical properties (such as structural, functional, and spatial information, amino acid conservation, physicochemical variation, residue mobility, and thermodynamic stability) indicates that this missense variant is not expected to disrupt KIF22 protein function with a negative predictive value of 80%. In summary, the available evidence is currently insufficient to determine the role of this variant in disease. Therefore, it has been classified as a Variant of Uncertain Significance.

NM_007317.3(KIF22):c.1556C>T (p.Thr519Ile)

Gene: KIF22 (kinesin family member 22; plus strand). Cytogenetic location: 16p11.2.
Variant type: single nucleotide variant.
Coding change: c.1556C>T on transcript NM_007317.3 (MANE Select); coding-DNA position 1556, C replaced by T.
Protein change: p.Thr519Ile; replaces threonine 519 with isoleucine.
Molecular consequence: missense variant.
Genome position (GRCh38, 1-based): chr16:29,803,555, C>T. VCF-style: chr16-29803555-C-T. GRCh37 (hg19) VCF-style: chr16-29814876-C-T.
Other names: c.1352C>T, p.Thr451Ile (NM_001256269.2, NM_001256270.1); short protein forms T451I, T519I.
Identifiers: ClinVar variation 4691124 (VCV004691124.1).